The following is an entry in ClinVar:

ClinVar aggregate classification (germline): Uncertain significance (1 of 4 stars; one submission).

gnomAD v4.1: 1 of 1,612,788 alleles (0.000062%); no homozygotes.

Submission:

Labcorp Genetics (formerly Invitae), Labcorp
Classification: Uncertain significance. Last evaluated: 2024-10-22. Review status: criteria provided, single submitter. Criteria: Invitae Variant Classification Sherloc (09022015). Collection method: clinical testing. Allele origin: germline.
Comment: This sequence change replaces arginine, which is basic and polar, with glycine, which is neutral and non-polar, at codon 1428 of the HMCN1 protein (p.Arg1428Gly). This variant is not present in population databases (gnomAD no frequency). This variant has not been reported in the literature in individuals affected with HMCN1-related conditions. ClinVar contains an entry for this variant (Variation ID: 2016560). An algorithm developed to predict the effect of missense changes on protein structure and function (PolyPhen-2) suggests that this variant is likely to be tolerated. In summary, the available evidence is currently insufficient to determine the role of this variant in disease. Therefore, it has been classified as a Variant of Uncertain Significance.

NM_031935.3(HMCN1):c.4282A>G (p.Arg1428Gly)

Gene: HMCN1 (hemicentin 1; plus strand). Cytogenetic location: 1q31.1.
Variant type: single nucleotide variant.
Coding change: c.4282A>G on transcript NM_031935.3 (MANE Select); coding-DNA position 4282, A replaced by G.
Protein change: p.Arg1428Gly; replaces arginine 1428 with glycine.
Molecular consequence: missense variant.
Genome position (GRCh38, 1-based): chr1:186,001,675, A>G. VCF-style: chr1-186001675-A-G. GRCh37 (hg19) VCF-style: chr1-185970807-A-G.
Other names: short protein forms R1428G.
Identifiers: ClinVar variation 2016560 (VCV002016560.4), dbSNP rs2527453389, ClinGen allele CA343877577.